The following is an entry in ClinVar:

NC_000002.11:g.(?_232137648)_(232137811_?)del

Gene: ARMC9 (armadillo repeat containing 9; plus strand). Cytogenetic location: 2q37.1.
Variant type: Deletion.
Identifiers: ClinVar variation 1069479 (VCV001069479.3).

ClinVar aggregate classification (germline): Pathogenic (1 of 4 stars; one submission).

Submission:

Labcorp Genetics (formerly Invitae), Labcorp
Classification: Pathogenic. Last evaluated: 2023-04-02. Review status: criteria provided, single submitter. Criteria: Invitae Variant Classification Sherloc (09022015). Collection method: clinical testing. Allele origin: germline.
Comment: This variant is a gross deletion of the genomic region encompassing exon(s) 13 of the ARMC9 gene. This deletion is out-of-frame, and is expected to create a premature termination codon and result in an absent or disrupted protein product. Loss-of-function variants in ARMC9 are known to be pathogenic (PMID: 28625504). For these reasons, this variant has been classified as Pathogenic. This variant has not been reported in the literature in individuals affected with ARMC9-related conditions.

Literature cited by the submitters: PubMed 28625504.